The following is an entry in ClinVar:

ClinVar aggregate classification (germline): Uncertain significance (1 of 4 stars; one submission).

Submission:

GeneDx
Classification: Uncertain significance. Last evaluated: 2025-03-27. Review status: criteria provided, single submitter. Criteria: GeneDx Variant Classification Process June 2021. Collection method: clinical testing. Allele origin: germline. Affected: yes.
Comment: Not observed at significant frequency in large population cohorts (gnomAD); In silico analysis indicates that this missense variant does not alter protein structure/function; Has not been previously published as pathogenic or benign to our knowledge

NM_017934.7(PHIP):c.5034T>A (p.Asn1678Lys)

Genes: IRAK1BP1 (interleukin 1 receptor associated kinase 1 binding protein 1; plus strand), PHIP (PHIP subunit of CUL4-Ring ligase complex; minus strand). Cytogenetic location: 6q14.1.
Variant type: single nucleotide variant.
Coding change: c.5034T>A on transcript NM_017934.7 (MANE Select); coding-DNA position 5034, T replaced by A.
Protein change: p.Asn1678Lys; replaces asparagine 1678 with lysine.
Molecular consequence: missense variant.
Genome position (GRCh38, 1-based): chr6:78,941,125, A>T on the plus strand (T>A on the coding strand, the complement: PHIP is on the minus strand). VCF-style: chr6-78941125-A-T. GRCh37 (hg19) VCF-style: chr6-79650842-A-T.
Other names: short protein forms N1678K.
Identifiers: ClinVar variation 4087973 (VCV004087973.1).